The following is an entry in ClinVar:

NM_024757.5(EHMT1):c.3716+4C>T

Gene: EHMT1 (euchromatic histone lysine methyltransferase 1; plus strand). Cytogenetic location: 9q34.3.
Variant type: single nucleotide variant.
Coding change: c.3716+4C>T on transcript NM_024757.5 (MANE Select); 4 bases into the intron after coding-DNA position 3716, C replaced by T.
Molecular consequence: intron variant.
Genome position (GRCh38, 1-based): chr9:137,834,528, C>T. VCF-style: chr9-137834528-C-T. GRCh37 (hg19) VCF-style: chr9-140728980-C-T.
Other names: c.3695+4C>T (NM_001354263.2).
Identifiers: ClinVar variation 366032 (VCV000366032.44), dbSNP rs375271697, ClinGen allele CA5375427.

ClinVar aggregate classification (germline): Benign/Likely benign. Review status: criteria provided, multiple submitters, no conflicts (2 of 4 stars). 5 submissions from 5 submitters: Benign (1); Likely benign (4). Last evaluated 2025-11-24.

Conditions:
Kleefstra syndrome 1 (KLEFS1). Identifiers: Orphanet 261494, MedGen C0795833, MONDO:0027407, OMIM 610253.
Inborn genetic diseases. Identifiers: MedGen C0950123, MeSH D030342.

Allele frequency attached by ClinVar (database versions not stated): gnomAD 0.00007 and 0.00011; TOPMed 0.00012; ExAC 0.00022; gnomAD exomes 0.00025 and 0.00012; 1000 Genomes Project 30x 0.00078; 1000 Genomes Project 0.00100.
gnomAD v4.1: 223 of 1,609,584 alleles (0.014%); highest among the groups gnomAD compares: East Asian, 0.41%; 1 homozygote.

Submissions (5):

Labcorp Genetics (formerly Invitae), Labcorp
Classification: Likely benign for Kleefstra syndrome 1. Last evaluated: 2025-11-24. Review status: criteria provided, single submitter. Criteria: Invitae Variant Classification Sherloc (09022015). Collection method: clinical testing. Allele origin: germline.

Blueprint Genetics
Classification: Likely benign. Last evaluated: 2024-06-24. Review status: criteria provided, single submitter. Criteria: ACMG Guidelines, 2015. Collection method: clinical testing. Allele origin: germline.

CeGaT Center for Human Genetics Tuebingen
Classification: Likely benign. Last evaluated: 2023-03-01. Review status: criteria provided, single submitter. Criteria: CeGaT Center For Human Genetics Tuebingen Variant Classification Criteria Version 2. Collection method: clinical testing. Allele origin: germline. Affected: yes. Observed: 1 variant allele.
Comment: EHMT1: BP4, BS1

GeneDx
Classification: Benign. Last evaluated: 2020-06-15. Review status: criteria provided, single submitter. Criteria: GeneDx Variant Classification Process June 2021. Collection method: clinical testing. Allele origin: germline. Affected: yes.

Ambry Genetics
Classification: Likely benign for Inborn genetic diseases. Last evaluated: 2017-06-30. Review status: criteria provided, single submitter. Criteria: Ambry Variant Classification Scheme 2023. Collection method: clinical testing. Allele origin: germline.